The following is an entry in ClinVar:

ClinVar aggregate classification (germline): Uncertain significance. Review status: reviewed by expert panel (3 of 4 stars). 3 submissions from 3 submitters: Uncertain significance (1). 2 of the submissions do not count toward it. Last evaluated 2025-02-25.

Conditions:
Hereditary cancer-predisposing syndrome. Also called: Hereditary neoplastic syndrome; Neoplastic Syndromes, Hereditary; Tumor predisposition; Hereditary Cancer Syndrome. Identifiers: Orphanet 140162, MedGen C0027672, MeSH D009386, MONDO:0015356.
DICER1-related tumor predisposition. Also called: DICER1-related pleuropulmonary blastoma cancer predisposition syndrome; DICER1 syndrome. Identifiers: Orphanet 284343, MedGen C3839822, MONDO:0100216.

Submissions (3):

ClinGen DICER1 and miRNA-Processing Gene Variant Curation Expert Panel, ClinGen
Classification: Uncertain significance for DICER1-related tumor predisposition. Last evaluated: 2025-02-25. Review status: reviewed by expert panel. Criteria: ClinGen DICER1 ACMG Specifications DICER1 V1.3.0. Collection method: curation. Allele origin: germline. Inheritance: Autosomal dominant inheritance.
Comment: The NM_177438.3:c.5678T>C variant in DICER1 is a missense variant predicted to cause substitution of valine by alanine at amino acid 1893 (p.Val1893Ala). Although this variant has been observed in germline cases, to our knowledge, this variant has not been reported in individuals with DICER1-related tumor predisposition (PS4 not met; Internal lab contributors). This variant is absent from gnomAD v4.1.0 (PM2_Supporting). In silico tools predict no damaging impact of the variant on protein function (REVEL: 0.266; MaxEntScan and SpliceAI: no effect on splicing) (BP4). In summary, this variant meets the criteria to be classified as Uncertain Significance for DICER1-related tumor predisposition based on the ACMG/AMP criteria applied, as specified by the ClinGen DICER1 VCEP: PM2_Supporting, BP4. (Bayesian Points: 0; VCEP specifications version 1.3.0; 02/25/2025)

Ambry Genetics
Classification: Uncertain significance for Hereditary cancer-predisposing syndrome. Last evaluated: 2025-09-10. Review status: criteria provided, single submitter. Criteria: Ambry Variant Classification Scheme 2023. Collection method: clinical testing. Allele origin: germline. Not counted in ClinVar's aggregate classification.
Comment: The p.V1893A variant (also known as c.5678T>C), located in coding exon 26 of the DICER1 gene, results from a T to C substitution at nucleotide position 5678. The valine at codon 1893 is replaced by alanine, an amino acid with similar properties. This amino acid position is highly conserved in available vertebrate species. In addition, this alteration is predicted to be tolerated by in silico analysis. Based on the available evidence, the clinical significance of this variant remains unclear.

Labcorp Genetics (formerly Invitae), Labcorp
Classification: Uncertain significance for DICER1-related tumor predisposition. Last evaluated: 2024-10-01. Review status: criteria provided, single submitter. Criteria: Invitae Variant Classification Sherloc (09022015). Collection method: clinical testing. Allele origin: germline. Not counted in ClinVar's aggregate classification.
Comment: This sequence change replaces valine, which is neutral and non-polar, with alanine, which is neutral and non-polar, at codon 1893 of the DICER1 protein (p.Val1893Ala). This variant is not present in population databases (gnomAD no frequency). This variant has not been reported in the literature in individuals affected with DICER1-related conditions. ClinVar contains an entry for this variant (Variation ID: 483408). An algorithm developed to predict the effect of missense changes on protein structure and function (PolyPhen-2) suggests that this variant is likely to be disruptive. In summary, the available evidence is currently insufficient to determine the role of this variant in disease. Therefore, it has been classified as a Variant of Uncertain Significance.

NM_177438.3(DICER1):c.5678T>C (p.Val1893Ala)

Gene: DICER1 (dicer 1, ribonuclease III; minus strand). Cytogenetic location: 14q32.13.
Variant type: single nucleotide variant.
Coding change: c.5678T>C on transcript NM_177438.3 (MANE Select); coding-DNA position 5678, T replaced by C.
Protein change: p.Val1893Ala; replaces valine 1893 with alanine.
Molecular consequence: missense variant. On other transcripts: 3 prime UTR variant (1).
Genome position (GRCh38, 1-based): chr14:95,090,589, A>G on the plus strand (T>C on the coding strand, the complement: DICER1 is on the minus strand). VCF-style: chr14-95090589-A-G. GRCh37 (hg19) VCF-style: chr14-95556926-A-G.
Other names: NM_177438.3(DICER1):c.5678T>C; p.Val1893Ala; c.*25T>C (NM_001195573.1); c.5678T>C, p.Val1893Ala (NM_001271282.3, NM_001291628.2, NM_030621.4); short protein forms V1893A.
Identifiers: ClinVar variation 483408 (VCV000483408.18), dbSNP rs1555365989, ClinGen allele CA390863280.